The following is an entry in ClinVar:

NM_000219.6(KCNE1):c.377A>T (p.Lys126Met)

Gene: KCNE1 (potassium voltage-gated channel subfamily E regulatory subunit 1; minus strand). Cytogenetic location: 21q22.12.
Variant type: single nucleotide variant.
Coding change: c.377A>T on transcript NM_000219.6 (MANE Select); coding-DNA position 377, A replaced by T.
Protein change: p.Lys126Met; replaces lysine 126 with methionine.
Molecular consequence: missense variant.
Genome position (GRCh38, 1-based): chr21:34,449,258, T>A on the plus strand (A>T on the coding strand, the complement: KCNE1 is on the minus strand). VCF-style: chr21-34449258-T-A. GRCh37 (hg19) VCF-style: chr21-35821556-T-A.
Other names: c.377A>T, p.Lys126Met (NM_001127668.4, NM_001127669.4, NM_001127670.4 and 4 more transcripts); short protein forms K126M.
Identifiers: ClinVar variation 3373862 (VCV003373862.2).
Genomic context (GRCh38, chr21:34,449,258, plus strand): 5'-ATCAGGTTGCCAGGCAGGATGTGTCCAGTTTTAGCCAGTGGTGGGGTTCATGGGGAAGGC[T>A]TCGTCTCAGGAAGGTGTGTGTTGGGTTGTTCTATGGCCAGATGGTTTTCAACGACATAGC-3'
Protein context (NP_000210.2, residues 116-129): EQPNTHLPET[Lys126Met]PSP

Conditions:
Long QT syndrome 5 (LQT5). Identifiers: Orphanet 101016, Orphanet 768, MedGen C1867904, MONDO:0013372, OMIM 613695.

Submission:

Roden Lab, Vanderbilt University Medical Center
No classification provided (evidence only). Condition: Long QT syndrome 5. Review status: no classification provided. Collection method: in vitro. Allele origin: not applicable. Functional consequence: Effect on ion channel function.
ClinVar note: "not provided" was previously submitted as the classification for the variant. However, the classification appeared to be based only on an observation of functional data so it was converted to no classification on 2025-07-30.